The following is an entry in ClinVar:

ClinVar aggregate classification (germline): Uncertain significance (1 of 4 stars; one submission).

Submission:

Labcorp Genetics (formerly Invitae), Labcorp
Classification: Uncertain significance. Last evaluated: 2022-10-13. Review status: criteria provided, single submitter. Criteria: Invitae Variant Classification Sherloc (09022015). Collection method: clinical testing. Allele origin: germline.
Comment: In summary, the available evidence is currently insufficient to determine the role of this variant in disease. Therefore, it has been classified as a Variant of Uncertain Significance. Algorithms developed to predict the effect of missense changes on protein structure and function are either unavailable or do not agree on the potential impact of this missense change (SIFT: "Deleterious"; PolyPhen-2: "Probably Damaging"; Align-GVGD: "Class C15"). ClinVar contains an entry for this variant (Variation ID: 1063188). This variant has not been reported in the literature in individuals affected with DTHD1-related conditions. This variant is not present in population databases (gnomAD no frequency). This sequence change replaces phenylalanine, which is neutral and non-polar, with leucine, which is neutral and non-polar, at codon 215 of the DTHD1 protein (p.Phe215Leu).

NM_001170700.3(DTHD1):c.1513T>C (p.Phe505Leu)

Gene: DTHD1 (death domain containing 1; plus strand). Cytogenetic location: 4p14.
Variant type: single nucleotide variant.
Coding change: c.1513T>C on transcript NM_001170700.3 (MANE Select); coding-DNA position 1513, T replaced by C.
Protein change: p.Phe505Leu; replaces phenylalanine 505 with leucine.
Molecular consequence: missense variant. On other transcripts: non-coding transcript variant (2).
Genome position (GRCh38, 1-based): chr4:36,294,909, T>C. VCF-style: chr4-36294909-T-C. GRCh37 (hg19) VCF-style: chr4-36296531-T-C.
Other names: c.643T>C, p.Phe215Leu (NM_001136536.5); c.580T>C, p.Phe194Leu (NM_001378435.1); short protein forms F194L, F215L, F505L.
Identifiers: ClinVar variation 1063188 (VCV001063188.9), dbSNP rs2109464573, ClinGen allele CA356679970.
Genomic context (GRCh38, chr4:36,294,909, plus strand): 5'-TTCTACTCAGTCCAATCCACAAGCCCTCTGATTCACATTCAGCACCCATCAACTTATCCT[T>C]TTCAGAAGCCAGTCACTTTGTTTTTACCTTGTTCTCCATACCTTGATAAAAACAACCTTG-3'
Protein context (NP_001164171.2, residues 495-515): IHIQHPSTYP[Phe505Leu]QKPVTLFLPC